The following is an entry in ClinVar:

ClinVar aggregate classification (germline): Likely benign (0 of 4 stars; one submission).

Conditions:
TRAPPC4-related disorder. Also called: TRAPPC4-related condition.

Allele frequency attached by ClinVar (database versions not stated): gnomAD 0.00001; 1000 Genomes Project 30x 0.00016; 1000 Genomes Project 0.00020.
gnomAD v4.1: 1 of 1,610,186 alleles (0.000062%); highest among the groups gnomAD compares: East Asian, 0.0022%; no homozygotes.

Submission:

PreventionGenetics, part of Exact Sciences
Classification: Likely benign for TRAPPC4-related condition. Last evaluated: 2022-01-05. Review status: no assertion criteria provided. Collection method: clinical testing. Allele origin: germline.
Comment: This variant is classified as likely benign based on ACMG/AMP sequence variant interpretation guidelines (Richards et al. 2015 PMID: 25741868, with internal and published modifications).

NM_016146.6(TRAPPC4):c.175+8A>G

Gene: TRAPPC4 (trafficking protein particle complex subunit 4; plus strand). Cytogenetic location: 11q23.3.
Variant type: single nucleotide variant.
Coding change: c.175+8A>G on transcript NM_016146.6 (MANE Select); 8 bases into the intron after coding-DNA position 175, A replaced by G.
Molecular consequence: intron variant.
Genome position (GRCh38, 1-based): chr11:119,018,978, A>G. VCF-style: chr11-119018978-A-G. GRCh37 (hg19) VCF-style: chr11-118889688-A-G.
Other names: c.-248+8A>G (NM_001318492.2); c.175+8A>G (NM_001318488.2, NM_001318489.2, NM_001318490.2 and 1 more transcripts); c.-40+8A>G (NM_001318486.2).
Identifiers: ClinVar variation 3056862 (VCV003056862.2), dbSNP rs560620358, ClinGen allele CA229665297.